The following is an entry in ClinVar:

ClinVar aggregate classification (germline): Uncertain significance (1 of 4 stars; one submission).

Submission:

Labcorp Genetics (formerly Invitae), Labcorp
Classification: Uncertain significance. Last evaluated: 2025-02-24. Review status: criteria provided, single submitter. Criteria: Invitae Variant Classification Sherloc (09022015). Collection method: clinical testing. Allele origin: germline.
Comment: This sequence change replaces alanine, which is neutral and non-polar, with threonine, which is neutral and polar, at codon 231 of the ARHGEF1 protein (p.Ala231Thr). The frequency data for this variant in the population databases is considered unreliable, as metrics indicate poor data quality at this position in the gnomAD database. This variant has not been reported in the literature in individuals affected with ARHGEF1-related conditions. An algorithm developed to predict the effect of missense changes on protein structure and function (PolyPhen-2) suggests that this variant is likely to be tolerated. In summary, the available evidence is currently insufficient to determine the role of this variant in disease. Therefore, it has been classified as a Variant of Uncertain Significance.

NM_004706.4(ARHGEF1):c.646G>A (p.Ala216Thr)

Gene: ARHGEF1 (Rho guanine nucleotide exchange factor 1; plus strand). Cytogenetic location: 19q13.2.
Variant type: single nucleotide variant.
Coding change: c.646G>A on transcript NM_004706.4 (MANE Select); coding-DNA position 646, G replaced by A.
Protein change: p.Ala216Thr; replaces alanine 216 with threonine.
Molecular consequence: missense variant. On other transcripts: non-coding transcript variant (2).
Genome position (GRCh38, 1-based): chr19:41,894,208, G>A. VCF-style: chr19-41894208-G-A. GRCh37 (hg19) VCF-style: chr19-42398281-G-A.
Other names: c.646G>A, p.Ala216Thr (NM_001396000.1, NM_001396003.1, NM_001396006.1); c.547G>A, p.Ala183Thr (NM_001396002.1, NM_001396004.1, NM_198977.2); c.691G>A, p.Ala231Thr (NM_199002.2); short protein forms A216T, A183T, A231T.
Identifiers: ClinVar variation 4704019 (VCV004704019.1).
Genomic context (GRCh38, chr19:41,894,208, plus strand): 5'-GTGTGTGTGTGTGTGTGTGTCTTTGTGTGTGTTGAGCCCTCACTGTCCCTTCCCTACAGT[G>A]CTGCCGTGGTCAACGCCATTGGCCTGTACATGCGCCACCTTGGGGTGCGGACCAAGAGTG-3'
Protein context (NP_004697.2, residues 206-226): HTISTDEEKS[Ala216Thr]AVVNAIGLYM